The following is an entry in ClinVar:

ClinVar aggregate classification (germline): Conflicting classifications of pathogenicity. Review status: criteria provided, conflicting classifications (1 of 4 stars). 4 submissions from 4 submitters: Uncertain significance (3); Likely benign (1). Last evaluated 2026-08-07.

Conditions:
DMXL2-related disorder. Also called: DMXL2-related condition.
Inborn genetic diseases. Identifiers: MedGen C0950123, MeSH D030342.

Allele frequency attached by ClinVar (database versions not stated): ExAC 0.00001; gnomAD 0.00001; gnomAD exomes 0.00003 and 0.00004; TOPMed 0.00003.
gnomAD v4.1: 50 of 1,613,462 alleles (0.0031%); highest among the groups gnomAD compares: Middle Eastern, 0.033%; no homozygotes.

Submissions (4):

PreventionGenetics, part of Exact Sciences
Classification: Uncertain significance for DMXL2-related condition. Last evaluated: 2026-08-07. Review status: criteria provided, single submitter. Criteria: ACMG Guidelines, 2015. Collection method: clinical testing. Allele origin: germline.
Comment: The DMXL2 c.5836G>A variant is predicted to result in the amino acid substitution p.Gly1946Arg. To our knowledge, this variant has not been reported in the literature. This variant is reported in 0.0087% of alleles in individuals of Latino descent in gnomAD. At this time, the clinical significance of this variant is uncertain due to the absence of conclusive functional and genetic evidence.

Ambry Genetics
Classification: Uncertain significance for Inborn genetic diseases. Last evaluated: 2025-08-07. Review status: criteria provided, single submitter. Criteria: Ambry Variant Classification Scheme 2023. Collection method: clinical testing. Allele origin: germline.

Labcorp Genetics (formerly Invitae), Labcorp
Classification: Uncertain significance. Last evaluated: 2024-11-11. Review status: criteria provided, single submitter. Criteria: Invitae Variant Classification Sherloc (09022015). Collection method: clinical testing. Allele origin: germline.
Comment: This sequence change replaces glycine, which is neutral and non-polar, with arginine, which is basic and polar, at codon 1946 of the DMXL2 protein (p.Gly1946Arg). This variant is present in population databases (rs770842272, gnomAD 0.006%). This variant has not been reported in the literature in individuals affected with DMXL2-related conditions. ClinVar contains an entry for this variant (Variation ID: 1446446). An algorithm developed to predict the effect of missense changes on protein structure and function outputs the following: PolyPhen-2: "Benign". The arginine amino acid residue is found in multiple mammalian species, which suggests that this missense change does not adversely affect protein function. In summary, the available evidence is currently insufficient to determine the role of this variant in disease. Therefore, it has been classified as a Variant of Uncertain Significance.

Blueprint Genetics
Classification: Likely benign. Last evaluated: 2023-07-25. Review status: criteria provided, single submitter. Criteria: ACMG Guidelines, 2015. Collection method: clinical testing. Allele origin: germline.

NM_001378457.1(DMXL2):c.5836G>A (p.Gly1946Arg)

Gene: DMXL2 (Dmx like 2; minus strand). Cytogenetic location: 15q21.2.
Variant type: single nucleotide variant.
Coding change: c.5836G>A on transcript NM_001378457.1 (MANE Select); coding-DNA position 5836, G replaced by A.
Protein change: p.Gly1946Arg; replaces glycine 1946 with arginine.
Molecular consequence: missense variant. On other transcripts: non-coding transcript variant (2).
Genome position (GRCh38, 1-based): chr15:51,481,270, C>T on the plus strand (G>A on the coding strand, the complement: DMXL2 is on the minus strand). VCF-style: chr15-51481270-C-T. GRCh37 (hg19) VCF-style: chr15-51773467-C-T.
Other names: c.5836G>A (NM_001174116.1); c.5836G>A, p.Gly1946Arg (NM_001174116.3, NM_001378458.1, NM_001378459.1 and 4 more transcripts); c.3928G>A, p.Gly1310Arg (NM_001174117.3); c.3817G>A, p.Gly1273Arg (NM_001378460.1); c.5596G>A, p.Gly1866Arg (NM_001378464.1); short protein forms G1946R, G1866R, G1273R, G1310R.
Identifiers: ClinVar variation 1446446 (VCV001446446.9), dbSNP rs770842272, ClinGen allele CA7561734.